The following is an entry in ClinVar:

NM_002340.6(LSS):c.1988+114C>G

Gene: LSS (lanosterol synthase; minus strand). Cytogenetic location: 21q22.3.
Variant type: single nucleotide variant.
Coding change: c.1988+114C>G on transcript NM_002340.6 (MANE Select); 114 bases into the intron after coding-DNA position 1988, C replaced by G.
Molecular consequence: intron variant.
Genome position (GRCh38, 1-based): chr21:46,194,377, G>C on the plus strand (C>G on the coding strand, the complement: LSS is on the minus strand). VCF-style: chr21-46194377-G-C. GRCh37 (hg19) VCF-style: chr21-47614291-G-C.
Other names: c.1955+114C>G (NM_001145436.2); c.1988+114C>G (NM_001001438.3); c.1748+114C>G (NM_001145437.2).
Identifiers: ClinVar variation 1683859 (VCV001683859.2), dbSNP rs547779383, ClinGen allele CA321991475.

ClinVar aggregate classification (germline): Likely benign (1 of 4 stars; one submission).

Allele frequency attached by ClinVar (database versions not stated): 1000 Genomes Project 0.00639; gnomAD 0.00672 and 0.00741; 1000 Genomes Project 30x 0.00687; TOPMed 0.00716.
gnomAD v4.1: 1,749 of 1,268,482 alleles (0.14%); highest among the groups gnomAD compares: African/African-American, 2.4%; 22 homozygotes.

Submission:

GeneDx
Classification: Likely benign. Last evaluated: 2021-05-24. Review status: criteria provided, single submitter. Criteria: GeneDx Variant Classification Process June 2021. Collection method: clinical testing. Allele origin: germline. Affected: yes.
Comment: See Variant Classification Assertion Criteria.